The following is an entry in ClinVar:

NM_001868.4(CPA1):c.374T>C (p.Leu125Pro)

Gene: CPA1 (carboxypeptidase A1; plus strand). Cytogenetic location: 7q32.2.
Variant type: single nucleotide variant.
Coding change: c.374T>C on transcript NM_001868.4 (MANE Select); coding-DNA position 374, T replaced by C.
Protein change: p.Leu125Pro; replaces leucine 125 with proline.
Molecular consequence: missense variant.
Genome position (GRCh38, 1-based): chr7:130,381,856, T>C. VCF-style: chr7-130381856-T-C. GRCh37 (hg19) VCF-style: chr7-130021697-T-C.
Other names: short protein forms L125P.
Identifiers: ClinVar variation 4744405 (VCV004744405.1).
Genomic context (GRCh38, chr7:130,381,856, plus strand): 5'-TCGCCTTCCGGTCCCGGGCGCGCTCCACCGACACTTTTAACTACGCCACCTACCACACCC[T>C]GGAGGAGGTGAGGGCGCCCCTAGCGGCCGCTCCCTGCAGCCACCAGCTCTTCATCATGGC-3'
Protein context (NP_001859.1, residues 115-135): DTFNYATYHT[Leu125Pro]EEIYDFLDLL

ClinVar aggregate classification (germline): Uncertain significance (1 of 4 stars; one submission).

Submission:

Labcorp Genetics (formerly Invitae), Labcorp
Classification: Uncertain significance. Last evaluated: 2025-08-25. Review status: criteria provided, single submitter. Criteria: Invitae Variant Classification Sherloc (09022015). Collection method: clinical testing. Allele origin: germline.
Comment: This sequence change replaces leucine, which is neutral and non-polar, with proline, which is neutral and non-polar, at codon 125 of the CPA1 protein (p.Leu125Pro). This variant is not present in population databases (gnomAD no frequency). This variant has not been reported in the literature in individuals affected with CPA1-related conditions. Invitae Evidence Modeling of protein sequence and biophysical properties (such as structural, functional, and spatial information, amino acid conservation, physicochemical variation, residue mobility, and thermodynamic stability) indicates that this missense variant is not expected to disrupt CPA1 protein function with a negative predictive value of 80%. In summary, the available evidence is currently insufficient to determine the role of this variant in disease. Therefore, it has been classified as a Variant of Uncertain Significance.